The following is an entry in ClinVar:

ClinVar aggregate classification (germline): Uncertain significance (1 of 4 stars; one submission).

Conditions:
Primary dilated cardiomyopathy (DCM). Also called: Dilated Cardiomyopathy. Identifiers: Orphanet 217604, MedGen C0007193, MeSH D002311, MONDO:0005021, HP:0001644. Inheritance: Various modes of inheritance.

Allele frequency attached by ClinVar (database versions not stated): ExAC 0.00001; gnomAD 0.00001; gnomAD exomes 0.00001 and 0.00002; TOPMed 0.00004.
gnomAD v4.1: 13 of 1,594,164 alleles (0.00082%); highest among the groups gnomAD compares: South Asian, 0.0022%; no homozygotes.

Submission:

Labcorp Genetics (formerly Invitae), Labcorp
Classification: Uncertain significance for Primary dilated cardiomyopathy. Last evaluated: 2025-12-08. Review status: criteria provided, single submitter. Criteria: Invitae Variant Classification Sherloc (09022015). Collection method: clinical testing. Allele origin: germline.
Comment: This sequence change affects codon 228 of the NEBL mRNA. It is a 'silent' change, meaning that it does not change the encoded amino acid sequence of the NEBL protein. It affects a nucleotide within the consensus splice site. This variant is present in population databases (rs533225203, gnomAD 0.006%). This variant has not been reported in the literature in individuals affected with NEBL-related conditions. ClinVar contains an entry for this variant (Variation ID: 1373839). Algorithms developed to predict the effect of sequence changes on RNA splicing suggest that this variant is not likely to affect RNA splicing. In summary, the available evidence is currently insufficient to determine the role of this variant in disease. Therefore, it has been classified as a Variant of Uncertain Significance.

NM_006393.3(NEBL):c.684A>G (p.Gln228=)

Gene: NEBL (nebulette; minus strand). Cytogenetic location: 10p12.31.
Variant type: single nucleotide variant.
Coding change: c.684A>G on transcript NM_006393.3 (MANE Select); coding-DNA position 684, A replaced by G.
Protein change: p.Gln228=; no amino-acid change (glutamine 228 retained).
Molecular consequence: synonymous variant. On other transcripts: intron variant (9).
Genome position (GRCh38, 1-based): chr10:20,868,664, T>C on the plus strand (A>G on the coding strand, the complement: NEBL is on the minus strand). VCF-style: chr10-20868664-T-C. GRCh37 (hg19) VCF-style: chr10-21157593-T-C.
Other names: c.250-55724A>G (NM_001377326.1, NM_001377327.1, NM_001377328.1); c.358-55724A>G (NM_213569.2, NM_001173484.2, NM_001377322.1); c.301-55724A>G (NM_001377324.1); c.292-55724A>G (NM_001377325.1); c.310-55724A>G (NM_001377323.1).
Identifiers: ClinVar variation 1373839 (VCV001373839.8), dbSNP rs533225203, ClinGen allele CA5433157.